The following is an entry in ClinVar:

NM_001366385.1(CARD14):c.206G>A (p.Arg69Gln)

Gene: CARD14 (caspase recruitment domain family member 14; plus strand). Cytogenetic location: 17q25.3.
Variant type: single nucleotide variant.
Coding change: c.206G>A on transcript NM_001366385.1 (MANE Select); coding-DNA position 206, G replaced by A.
Protein change: p.Arg69Gln; replaces arginine 69 with glutamine.
Molecular consequence: missense variant. On other transcripts: non-coding transcript variant (1).
Genome position (GRCh38, 1-based): chr17:80,181,644, G>A. VCF-style: chr17-80181644-G-A. GRCh37 (hg19) VCF-style: chr17-78155443-G-A.
Other names: c.206G>A, p.Arg69Gln (NM_001257970.1, NM_024110.4); short protein forms R69Q.
Identifiers: ClinVar variation 944747 (VCV000944747.10), dbSNP rs369726105, ClinGen allele CA8816346.

ClinVar aggregate classification (germline): Uncertain significance (1 of 4 stars; one submission).

Conditions:
Pityriasis rubra pilaris (PRP). Also called: Pityriasis rubra pilaris--familial type. Identifiers: Orphanet 2897, MedGen C0032027, MONDO:0100017, OMIM 173200, MONDO:0008251.
Psoriasis 2. Identifiers: MedGen C1864497, MONDO:0011269, OMIM 602723.

Allele frequency attached by ClinVar (database versions not stated): gnomAD 0.00003; gnomAD exomes 0.00003; TOPMed 0.00003; ExAC 0.00007; ESP Exome Variant Server 0.00008.

Submission:

Labcorp Genetics (formerly Invitae), Labcorp
Classification: Uncertain significance for Pityriasis rubra pilaris; Psoriasis 2. Last evaluated: 2025-09-01. Review status: criteria provided, single submitter. Criteria: Invitae Variant Classification Sherloc (09022015). Collection method: clinical testing. Allele origin: germline.
Comment: This sequence change replaces arginine, which is basic and polar, with glutamine, which is neutral and polar, at codon 69 of the CARD14 protein (p.Arg69Gln). This variant is present in population databases (rs369726105, gnomAD 0.02%). This missense change has been observed in individual(s) with generalized pustular psoriasis (PMID: 23648549). ClinVar contains an entry for this variant (Variation ID: 944747). Invitae Evidence Modeling of protein sequence and biophysical properties (such as structural, functional, and spatial information, amino acid conservation, physicochemical variation, residue mobility, and thermodynamic stability) indicates that this missense variant is not expected to disrupt CARD14 protein function with a negative predictive value of 95%. In summary, the available evidence is currently insufficient to determine the role of this variant in disease. Therefore, it has been classified as a Variant of Uncertain Significance.

Literature cited by the submitters: PubMed 23648549.